The following is an entry in ClinVar:

ClinVar aggregate classification (germline): Pathogenic/Likely pathogenic. Review status: criteria provided, multiple submitters, no conflicts (2 of 4 stars). 6 submissions from 6 submitters: Pathogenic (3); Likely pathogenic (2). 1 of the submissions does not count toward it. Last evaluated 2025-03-23.

Conditions:
Inborn genetic diseases. Identifiers: MedGen C0950123, MeSH D030342.
Intellectual developmental disorder, X-linked 19. Also called: Intellectual disability, X-linked 19. Identifiers: Orphanet 777, MedGen C0796225, MONDO:0010447, OMIM 300844.
Coffin-Lowry syndrome (CLS). Also called: Mental retardation with osteocartilaginous abnormalities; COFFIN-LOWRY SYNDROME, MILD. Identifiers: Orphanet 192, MedGen C0265252, MONDO:0010561, OMIM 303600.
Intellectual disability. Also called: Intellectual developmental disorder; Intellectual functioning disability; intellectual disabilities. Identifiers: MedGen C3714756, MeSH D008607, MONDO:0001071, HP:0001249.

Submissions (9):

Labcorp Genetics (formerly Invitae), Labcorp
Classification: Pathogenic for Coffin-Lowry syndrome; Intellectual developmental disorder, X-linked 19. Last evaluated: 2025-03-23. Review status: criteria provided, single submitter. Criteria: Invitae Variant Classification Sherloc (09022015). Collection method: clinical testing. Allele origin: germline.
Comment: This sequence change replaces arginine, which is basic and polar, with glutamine, which is neutral and polar, at codon 729 of the RPS6KA3 protein (p.Arg729Gln). This variant is not present in population databases (gnomAD no frequency). This missense change has been observed in individual(s) with Coffin-Lowry syndrome (PMID: 10094187, 11180593). In at least one individual the variant was observed to be de novo. ClinVar contains an entry for this variant (Variation ID: 11658). Invitae Evidence Modeling of protein sequence and biophysical properties (such as structural, functional, and spatial information, amino acid conservation, physicochemical variation, residue mobility, and thermodynamic stability) indicates that this missense variant is expected to disrupt RPS6KA3 protein function with a positive predictive value of 95%. For these reasons, this variant has been classified as Pathogenic.

GeneDx
Classification: Pathogenic. Last evaluated: 2022-11-02. Review status: criteria provided, single submitter. Criteria: GeneDx Variant Classification Process June 2021. Collection method: clinical testing. Allele origin: germline. Affected: yes.
Comment: Not observed in large population cohorts (gnomAD); In silico analysis, which includes protein predictors and evolutionary conservation, supports a deleterious effect; This variant is associated with the following publications: (PMID: 16879200, 10094187, 11180593)

Clinical Genetics Laboratory, Skane University Hospital Lund
Classification: Pathogenic. Last evaluated: 2022-05-27. Review status: criteria provided, single submitter. Criteria: ACMG Guidelines, 2015. Collection method: clinical testing. Allele origin: germline. Affected: yes.

Diagnostic Laboratory, Strasbourg University Hospital
Classification: Likely pathogenic for Intellectual disability. Last evaluated: 2020-04-20. Review status: criteria provided, single submitter. Criteria: ACMG Guidelines, 2015. Collection method: clinical testing. Allele origin: de novo. Inheritance: X-linked inheritance. Affected: yes. Observed: 1 hemizygote.

Ambry Genetics
Classification: Likely pathogenic for Inborn genetic diseases. Last evaluated: 2018-03-15. Review status: criteria provided, single submitter. Criteria: Ambry exome assertion method (8-5-2015). Collection method: clinical testing. Allele origin: germline. Affected: yes. Observed: 1 variant allele.

OMIM
Classification: Pathogenic for COFFIN-LOWRY SYNDROME. Last evaluated: 1999-01-01. Review status: no assertion criteria provided. Collection method: literature only. Allele origin: germline. Not counted in ClinVar's aggregate classification.

Dr. Peter K. Rogan Lab, Western University
No classification provided (evidence only). Condition: Thyroid cancer, nonmedullary, 1. Review status: no classification provided. Collection method: in vitro. Allele origin: not applicable. Functional consequence: retained intron. Not counted in ClinVar's aggregate classification.

Dr. Peter K. Rogan Lab, Western University
No classification provided (evidence only). Condition: Nonpapillary renal cell carcinoma. Review status: no classification provided. Collection method: in vitro. Allele origin: not applicable. Functional consequence: retained intron. Not counted in ClinVar's aggregate classification.

Dr. Peter K. Rogan Lab, Western University
No classification provided (evidence only). Condition: Nonpapillary renal cell carcinoma. Review status: no classification provided. Collection method: in vitro. Allele origin: not applicable. Functional consequence: retained intron. Not counted in ClinVar's aggregate classification.

Literature cited by the submitters: PubMed 10094187 (cited by 3 submitters); PubMed 11180593 (cited by Labcorp Genetics (formerly Invitae), Labcorp and Ambry Genetics); PubMed 16879200 (cited by Ambry Genetics).

NM_004586.3(RPS6KA3):c.2186G>A (p.Arg729Gln)

Gene: RPS6KA3 (ribosomal protein S6 kinase A3; minus strand). Cytogenetic location: Xp22.12.
Variant type: single nucleotide variant.
Coding change: c.2186G>A on transcript NM_004586.3 (MANE Select); coding-DNA position 2186, G replaced by A.
Protein change: p.Arg729Gln; replaces arginine 729 with glutamine.
Molecular consequence: missense variant.
Genome position (GRCh38, 1-based): chrX:20,155,435, C>T on the plus strand (G>A on the coding strand, the complement: RPS6KA3 is on the minus strand). VCF-style: chrX-20155435-C-T. GRCh37 (hg19) VCF-style: chrX-20173553-C-T.
Other names: NC_000023.10:g.20173553C>T; short protein forms R729Q.
Identifiers: ClinVar variation 11658 (VCV000011658.14), dbSNP rs28935171, ClinGen allele CA255962.
Genomic context (GRCh38, chrX:20,155,435, plus strand): 5'-CCAAATATCTCACTGAGGTCACTTCACAGGGCTGTTGAGGTGATTTTTTTAATACCTCTC[C>T]GCTGAGCAAGAGTAGAGCGGCCTACTGGTTCCAAAACTGGTGACTGATTACGGTTCAAAG-3'
Protein context (NP_004577.1, residues 719-739): EPVGRSTLAQ[Arg729Gln]RGIKKITSTA